The following is an entry in ClinVar:

NM_002718.5(PPP2R3A):c.1641C>T (p.Thr547=)

Gene: PPP2R3A (protein phosphatase 2 regulatory subunit B''alpha; plus strand). Cytogenetic location: 3q22.3.
Variant type: single nucleotide variant.
Coding change: c.1641C>T on transcript NM_002718.5 (MANE Select); coding-DNA position 1641, C replaced by T.
Protein change: p.Thr547=; no amino-acid change (threonine 547 retained).
Molecular consequence: synonymous variant. On other transcripts: intron variant (1).
Genome position (GRCh38, 1-based): chr3:136,003,139, C>T. VCF-style: chr3-136003139-C-T. GRCh37 (hg19) VCF-style: chr3-135721981-C-T.
Other names: c.-213-23693C>T (NM_001190447.2).
Identifiers: ClinVar variation 3044511 (VCV003044511.2), dbSNP rs61757744, ClinGen allele CA2630614.

ClinVar aggregate classification (germline): Benign (0 of 4 stars; one submission).

Conditions:
PPP2R3A-related disorder. Also called: PPP2R3A-related condition.

Allele frequency attached by ClinVar (database versions not stated): 1000 Genomes Project 30x 0.00312; 1000 Genomes Project 0.00339; TOPMed 0.00671; gnomAD 0.00776; ExAC 0.00801; ESP Exome Variant Server 0.01015.
gnomAD v4.1: 18,047 of 1,612,802 alleles (1.1%); highest among the groups gnomAD compares: Non-Finnish European, 1.3%; 126 homozygotes.

Submission:

PreventionGenetics, part of Exact Sciences
Classification: Benign for PPP2R3A-related condition. Last evaluated: 2019-02-28. Review status: no assertion criteria provided. Collection method: clinical testing. Allele origin: germline.
Comment: This variant is classified as benign based on ACMG/AMP sequence variant interpretation guidelines (Richards et al. 2015 PMID: 25741868, with internal and published modifications).